The following is an entry in ClinVar:

ClinVar aggregate classification (germline): Uncertain significance (1 of 4 stars; one submission).

Conditions:
Cystic fibrosis (CF). Also called: MUCOVISCIDOSIS. Identifiers: Orphanet 586, MedGen C0010674, MONDO:0009061, OMIM 219700. Disease mechanism: loss of function.

Submission:

Ambry Genetics
Classification: Uncertain significance for Cystic fibrosis. Last evaluated: 2023-01-04. Review status: criteria provided, single submitter. Criteria: Ambry Variant Classification Scheme 2023. Collection method: clinical testing. Allele origin: germline.
Comment: The p.N703T variant (also known as c.2108A>C), located in coding exon 14 of the CFTR gene, results from an A to C substitution at nucleotide position 2108. The asparagine at codon 703 is replaced by threonine, an amino acid with similar properties. This amino acid position is conserved. In addition, the in silico prediction for this alteration is inconclusive. Since supporting evidence is limited at this time, the clinical significance of this alteration remains unclear.

NM_000492.4(CFTR):c.2108A>C (p.Asn703Thr)

Gene: CFTR (CF transmembrane conductance regulator; plus strand). Cytogenetic location: 7q31.2.
Variant type: single nucleotide variant.
Coding change: c.2108A>C on transcript NM_000492.4 (MANE Select); coding-DNA position 2108, A replaced by C.
Protein change: p.Asn703Thr; replaces asparagine 703 with threonine.
Molecular consequence: missense variant.
Genome position (GRCh38, 1-based): chr7:117,592,275, A>C. VCF-style: chr7-117592275-A-C. GRCh37 (hg19) VCF-style: chr7-117232329-A-C.
Other names: short protein forms N703T.
Identifiers: ClinVar variation 2453635 (VCV002453635.2), dbSNP rs748664864, ClinGen allele CA368979744.